The following is an entry in ClinVar:

NM_001367561.1(DOCK7):c.4797G>A (p.Met1599Ile)

Gene: DOCK7 (dedicator of cytokinesis 7; minus strand). Cytogenetic location: 1p31.3.
Variant type: single nucleotide variant.
Coding change: c.4797G>A on transcript NM_001367561.1 (MANE Select); coding-DNA position 4797, G replaced by A.
Protein change: p.Met1599Ile; replaces methionine 1599 with isoleucine.
Molecular consequence: missense variant.
Genome position (GRCh38, 1-based): chr1:62,496,465, C>T on the plus strand (G>A on the coding strand, the complement: DOCK7 is on the minus strand). VCF-style: chr1-62496465-C-T. GRCh37 (hg19) VCF-style: chr1-62962136-C-T.
Other names: c.4770G>A, p.Met1590Ile (NM_001271999.2, NM_001330614.2); c.4677G>A, p.Met1559Ile (NM_001272000.2, NM_001272001.2); c.4704G>A, p.Met1568Ile (NM_033407.4); short protein forms M1590I, M1568I, M1599I, M1559I.
Identifiers: ClinVar variation 541908 (VCV000541908.1), dbSNP rs1553156197, ClinGen allele CA340614885.
Genomic context (GRCh38, chr1:62,496,465, plus strand): 5'-AGAACGTCTTAAGAATTCTTCATTAAAATTCTGAGATGTGCCCACCAAGGAGGATAGTGA[C>T]ATTGTTACCTGCATTTTAACCCTGGCAAAGTTCTGTAACAGAGAAATTGTCCAGTCAATA-3'
Protein context (NP_001354490.1, residues 1589-1609): NFARVKMQVT[Met1599Ile]SLSSLVGTSQ

ClinVar aggregate classification (germline): Uncertain significance (1 of 4 stars; one submission).

Conditions:
Developmental and epileptic encephalopathy, 23 (DEE23). Also called: Epileptic encephalopathy, early infantile, 23. Identifiers: Orphanet 411986, MedGen C4014492, MONDO:0014371, OMIM 615859.

Allele frequency attached by ClinVar (database versions not stated): gnomAD exomes 0.00001.

Submission:

Labcorp Genetics (formerly Invitae), Labcorp
Classification: Uncertain significance for Developmental and epileptic encephalopathy, 23. Last evaluated: 2017-12-05. Review status: criteria provided, single submitter. Criteria: Invitae Variant Classification Sherloc (09022015). Collection method: clinical testing. Allele origin: germline.
Comment: This sequence change replaces methionine with isoleucine at codon 1590 of the DOCK7 protein (p.Met1590Ile). The methionine residue is highly conserved and there is a small physicochemical difference between methionine and isoleucine. This variant is not present in population databases (ExAC no frequency). This variant has not been reported in the literature in individuals with DOCK7-related disease. Algorithms developed to predict the effect of missense changes on protein structure and function do not agree on the potential impact of this missense change (SIFT: "Tolerated"; PolyPhen-2: "Probably Damaging"; Align-GVGD: "Class C0"). In summary, the available evidence is currently insufficient to determine the role of this variant in disease. Therefore, it has been classified as a Variant of Uncertain Significance.